The following is an entry in ClinVar:

NM_006690.4(MMP24):c.134G>T (p.Cys45Phe)

Genes: MMP24 (matrix metallopeptidase 24; plus strand), MMP24-AS1-EDEM2 (MMP24-AS1-EDEM2 readthrough; minus strand). Cytogenetic location: 20q11.22.
Variant type: single nucleotide variant.
Coding change: c.134G>T on transcript NM_006690.4 (MANE Select); coding-DNA position 134, G replaced by T.
Protein change: p.Cys45Phe; replaces cysteine 45 with phenylalanine.
Molecular consequence: missense variant. On other transcripts: intron variant (1).
Genome position (GRCh38, 1-based): chr20:35,226,872, G>T. VCF-style: chr20-35226872-G-T. GRCh37 (hg19) VCF-style: chr20-33814675-G-T.
Other names: c.-351-8811C>A (NM_001355008.2); short protein forms C45F.
Identifiers: ClinVar variation 4109091 (VCV004109091.1).

ClinVar aggregate classification (germline): Uncertain significance (1 of 4 stars; one submission).

Submission:

Ambry Genetics
Classification: Uncertain significance. Last evaluated: 2025-06-24. Review status: criteria provided, single submitter. Criteria: Ambry Variant Classification Scheme 2023. Collection method: clinical testing. Allele origin: germline.
Comment: The c.134G>T (p.C45F) alteration is located in exon (coding exon ) of the MMP24 gene. This alteration results from a G to T substitution at nucleotide position 134, causing the cysteine (C) at amino acid position 45 to be replaced by a phenylalanine (F). Based on insufficient or conflicting evidence, the clinical significance of this alteration remains unclear.